The following is an entry in ClinVar:

NM_004656.4(BAP1):c.153A>G (p.Lys51=)

Gene: BAP1 (BRCA1 associated deubiquitinase 1; minus strand). Cytogenetic location: 3p21.1.
Variant type: single nucleotide variant.
Coding change: c.153A>G on transcript NM_004656.4 (MANE Select); coding-DNA position 153, A replaced by G.
Protein change: p.Lys51=; no amino-acid change (lysine 51 retained).
Molecular consequence: synonymous variant.
Genome position (GRCh38, 1-based): chr3:52,408,576, T>C on the plus strand (A>G on the coding strand, the complement: BAP1 is on the minus strand). VCF-style: chr3-52408576-T-C. GRCh37 (hg19) VCF-style: chr3-52442592-T-C.
Identifiers: ClinVar variation 668689 (VCV000668689.8), dbSNP rs1578228257, ClinGen allele CA433778229.

ClinVar aggregate classification (germline): Benign/Likely benign. Review status: criteria provided, multiple submitters, no conflicts (2 of 4 stars). 5 submissions from 5 submitters: Benign (1); Likely benign (4). Last evaluated 2024-07-11.

Conditions:
BAP1-related tumor predisposition syndrome (TPDS1). Also called: COMMON Syndrome; TUMOR PREDISPOSITION SYNDROME 1; Tumor susceptibility linked to germline BAP1 mutations; BAP1 tumor predisposition syndrome. Identifiers: Orphanet 289539, MedGen C3280492, MONDO:0013692, OMIM 614327.
Hereditary cancer-predisposing syndrome. Also called: Neoplastic Syndromes, Hereditary; Tumor predisposition; Hereditary neoplastic syndrome; Hereditary Cancer Syndrome. Identifiers: Orphanet 140162, MedGen C0027672, MeSH D009386, MONDO:0015356.

Allele frequency attached by ClinVar (database versions not stated): gnomAD exomes below 0.00001.
gnomAD v4.1: 2 of 1,610,524 alleles (0.00012%); highest among the groups gnomAD compares: Admixed American, 0.0017%; no homozygotes.

Submissions (5):

Myriad Genetics, Inc.
Classification: Benign for BAP1-related tumor predisposition syndrome. Last evaluated: 2024-07-11. Review status: criteria provided, single submitter. Criteria: Myriad Autosomal Dominant, Autosomal Recessive and X-Linked Classification Criteria (2023). Collection method: clinical testing. Allele origin: unknown.
Comment: This variant is considered benign. This variant is a silent/synonymous amino acid change and it is not expected to impact splicing.

Labcorp Genetics (formerly Invitae), Labcorp
Classification: Likely benign for BAP1-related tumor predisposition syndrome. Last evaluated: 2024-07-01. Review status: criteria provided, single submitter. Criteria: Invitae Variant Classification Sherloc (09022015). Collection method: clinical testing. Allele origin: germline.

GeneDx
Classification: Likely benign. Last evaluated: 2018-05-22. Review status: criteria provided, single submitter. Criteria: GeneDx Variant Classification (06012015). Collection method: clinical testing. Allele origin: germline. Affected: yes.
Comment: This variant is considered likely benign or benign based on one or more of the following criteria: it is a conservative change, it occurs at a poorly conserved position in the protein, it is predicted to be benign by multiple in silico algorithms, and/or has population frequency not consistent with disease.

Ambry Genetics
Classification: Likely benign for Hereditary cancer-predisposing syndrome. Last evaluated: 2015-07-01. Review status: criteria provided, single submitter. Criteria: Ambry Variant Classification Scheme 2023. Collection method: clinical testing. Allele origin: germline.

Breakthrough Genomics
Classification: Likely benign. Review status: criteria provided, single submitter. Criteria: ACMG Guidelines, 2015. Collection method: not provided. Allele origin: germline. Inheritance: Autosomal dominant inheritance. Affected: yes.